The following is an entry in ClinVar:

NM_006662.3(SRCAP):c.4382C>T (p.Ala1461Val)

Gene: SRCAP (Snf2 related CREBBP activator protein; plus strand). Cytogenetic location: 16p11.2.
Variant type: single nucleotide variant.
Coding change: c.4382C>T on transcript NM_006662.3 (MANE Select); coding-DNA position 4382, C replaced by T.
Protein change: p.Ala1461Val; replaces alanine 1461 with valine.
Molecular consequence: missense variant.
Genome position (GRCh38, 1-based): chr16:30,723,806, C>T. VCF-style: chr16-30723806-C-T. GRCh37 (hg19) VCF-style: chr16-30735127-C-T.
Other names: short protein forms A1461V.
Identifiers: ClinVar variation 2974902 (VCV002974902.4), dbSNP rs137897642, ClinGen allele CA8011734.
Genomic context (GRCh38, chr16:30,723,806, plus strand): 5'-TCTCTGTCCCCACCACACTTCCTGCCCCAGCCTCGGCTCCACTCACCATCCCCATCTCAG[C>T]CCCCTTGACTGTTTCTGCTTCGGGCCCAGCTCTGTTGACCAGTGTGACTCCACCATTGGC-3'
Protein context (NP_006653.2, residues 1451-1471): ASAPLTIPIS[Ala1461Val]PLTVSASGPA

ClinVar aggregate classification (germline): Uncertain significance. Review status: criteria provided, multiple submitters, no conflicts (2 of 4 stars). 2 submissions from 2 submitters: Uncertain significance (2). Last evaluated 2024-05-19.

Conditions:
Developmental delay, hypotonia, musculoskeletal defects, and behavioral abnormalities. Identifiers: MedGen C5562012, MONDO:0859202, OMIM 619595.
Floating-Harbor syndrome (FLHS). Also called: SRCAP-Related Floating-Harbor Syndrome; Short stature with delayed bone age, expressive language delay, a triangular face with a prominent nose and deep-set eyes; Pelletier-Leisti syndrome. Identifiers: Orphanet 2044, MedGen C0729582, MONDO:0007621, OMIM 136140.

Allele frequency attached by ClinVar (database versions not stated): ExAC 0.00001; gnomAD exomes 0.00001; gnomAD 0.00005; TOPMed 0.00005; ESP Exome Variant Server 0.00008.

Submissions (2):

Fulgent Genetics
Classification: Uncertain significance for Floating-Harbor syndrome; Developmental delay, hypotonia, musculoskeletal defects, and behavioral abnormalities. Last evaluated: 2024-05-19. Review status: criteria provided, single submitter. Criteria: ACMG Guidelines, 2015. Collection method: clinical testing. Allele origin: germline.

Labcorp Genetics (formerly Invitae), Labcorp
Classification: Uncertain significance. Last evaluated: 2023-11-19. Review status: criteria provided, single submitter. Criteria: Invitae Variant Classification Sherloc (09022015). Collection method: clinical testing. Allele origin: germline.
Comment: This sequence change replaces alanine, which is neutral and non-polar, with valine, which is neutral and non-polar, at codon 1461 of the SRCAP protein (p.Ala1461Val). This variant is present in population databases (rs137897642, gnomAD 0.02%). This variant has not been reported in the literature in individuals affected with SRCAP-related conditions. Advanced modeling of protein sequence and biophysical properties (such as structural, functional, and spatial information, amino acid conservation, physicochemical variation, residue mobility, and thermodynamic stability) performed at Invitae indicates that this missense variant is not expected to disrupt SRCAP protein function with a negative predictive value of 80%. In summary, the available evidence is currently insufficient to determine the role of this variant in disease. Therefore, it has been classified as a Variant of Uncertain Significance.